The following is an entry in ClinVar:

NM_000268.4(NF2):c.1165del (p.Gln389fs)

Gene: NF2 (NF2, moesin-ezrin-radixin like (MERLIN) tumor suppressor; plus strand). Cytogenetic location: 22q12.2.
Variant type: Deletion.
Coding change: c.1165del on transcript NM_000268.4 (MANE Select); coding-DNA position 1165, one base deleted (C; older notation c.1165delC).
Protein change: p.Gln389fs; shifts the reading frame from glutamine 389.
Molecular consequence: frameshift variant. On other transcripts: intron variant (1).
Genome position (GRCh38, 1-based): chr22:29,673,311, C deleted; the last of 3 consecutive C bases (chr22:29,673,309-29,673,311); deleting any one gives the same sequence. VCF-style (leftmost placement, unchanged base first): chr22-29673308-GC-G. GRCh37 (hg19) VCF-style: chr22-30069297-GC-G.
Other names: c.1165del, p.Gln389fs (NM_001407066.1, NM_016418.5, NM_181825.3 and 2 more transcripts); c.934del, p.Gln312fs (NM_001407067.1); c.1039del, p.Gln347fs (NM_181828.3, NM_001407055.1); c.1042del, p.Gln348fs (NM_181829.3, NM_001407058.1, NM_001407054.1); c.916del, p.Gln306fs (NM_181830.3, NM_181831.3, NM_001407063.1 and 1 more transcripts); c.448-21441del (NM_181833.3); c.1051del, p.Gln351fs (NM_001407056.1, NM_001407053.1); c.1030del, p.Gln344fs (NM_001407057.1, NM_001407059.1); and 2 more; short protein forms Q211fs, Q303fs, Q306fs, Q312fs, Q344fs, Q347fs, Q348fs, Q351fs.
Identifiers: ClinVar variation 3897739 (VCV003897739.1).

ClinVar aggregate classification (oncogenicity): Oncogenic (1 of 4 stars; one submission).

Conditions:
Meningioma. Also called: Meningioma, somatic. Identifiers: Orphanet 2495, MedGen C0025286, MONDO:0016642, HP:0002858.

Submission:

Dr. Guy Rouleau's laboratory, McGill University
Classification: Oncogenic for Meningioma. Last evaluated: 2025-03-30. Review status: criteria provided, single submitter. Criteria: ClinGen/CGC/VICC Guidelines for Oncogenicity, 2022. Collection method: research. Allele origin: somatic. Affected: yes.
Comment: This frameshift variant generates a premature translational stop signal (p.Gln389fs) in the NF2 gene, which is expected to result in an absent or disrupted protein product. Loss-of-function variants in NF2 are well-documented as pathogenic (PMIDs: 8755919, 9643284, 16983642). This somatic variant was identified in a paired tumor-blood sequencing study of an individual with meningiomas. It has also been reported in menopausal women with sporadic meningiomas (PMID: 24171707). However, it has not been reported in population databases (gnomAD v2.1.1: no frequency).